The following is an entry in ClinVar:

ClinVar aggregate classification (germline): Uncertain significance (1 of 4 stars; one submission).

gnomAD v4.1: 50 of 1,600,502 alleles (0.0031%); highest among the groups gnomAD compares: Non-Finnish European, 0.0041%; no homozygotes.

Submission:

Greenwood Genetic Center Diagnostic Laboratories, Greenwood Genetic Center
Classification: Uncertain significance. Last evaluated: 2022-09-15. Review status: criteria provided, single submitter. Criteria: ACMG Guidelines, 2015. Collection method: clinical testing. Allele origin: germline. Affected: yes.
Comment: PM2

NM_021956.5(GRIK2):c.581G>A (p.Arg194Lys)

Gene: GRIK2 (glutamate ionotropic receptor kainate type subunit 2; plus strand). Cytogenetic location: 6q16.3.
Variant type: single nucleotide variant.
Coding change: c.581G>A on transcript NM_021956.5 (MANE Select); coding-DNA position 581, G replaced by A.
Protein change: p.Arg194Lys; replaces arginine 194 with lysine.
Molecular consequence: missense variant.
Genome position (GRCh38, 1-based): chr6:101,676,662, G>A. VCF-style: chr6-101676662-G-A. GRCh37 (hg19) VCF-style: chr6-102124537-G-A.
Other names: c.581G>A, p.Arg194Lys (NM_001166247.1, NM_175768.3); short protein forms R194K.
Identifiers: ClinVar variation 1710403 (VCV001710403.3), dbSNP rs1770865294, ClinGen allele CA365305321.